The following is an entry in ClinVar:

NM_000455.5(STK11):c.87C>T (p.Ile29=)

Gene: STK11 (serine/threonine kinase 11; plus strand). Cytogenetic location: 19p13.3.
Variant type: single nucleotide variant.
Coding change: c.87C>T on transcript NM_000455.5 (MANE Select); coding-DNA position 87, C replaced by T.
Protein change: p.Ile29=; no amino-acid change (isoleucine 29 retained).
Molecular consequence: synonymous variant.
Genome position (GRCh38, 1-based): chr19:1,207,000, C>T. VCF-style: chr19-1207000-C-T. GRCh37 (hg19) VCF-style: chr19-1206999-C-T.
Identifiers: ClinVar variation 1116354 (VCV001116354.10), dbSNP rs745530022, ClinGen allele CA049396.
Genomic context (GRCh38, chr19:1,207,000, plus strand): 5'-GGGCATGTTCACGGAGGGCGAGCTGATGTCGGTGGGTATGGACACGTTCATCCACCGCAT[C>T]GACTCCACCGAGGTCATCTACCAGCCGCGCCGCAAGCGGGCCAAGCTCATCGGCAAGTAC-3'
Protein context (NP_000446.1, residues 19-39): SVGMDTFIHR[Ile29=]DSTEVIYQPR

ClinVar aggregate classification (germline): Benign/Likely benign. Review status: criteria provided, multiple submitters, no conflicts (2 of 4 stars). 2 submissions from 2 submitters: Benign (1); Likely benign (1). Last evaluated 2025-03-24.

Conditions:
Peutz-Jeghers syndrome (PJS). Also called: Peutz-Jeghers polyposis; Periorificial lentiginosis syndrome; POLYPOSIS, HAMARTOMATOUS INTESTINAL; POLYPS-AND-SPOTS SYNDROME. Identifiers: Orphanet 2869, MedGen C0031269, MeSH D010580, MONDO:0008280, OMIM 175200.

Allele frequency attached by ClinVar (database versions not stated): ExAC 0.00001.

Submissions (2):

Myriad Genetics, Inc.
Classification: Benign for Peutz-Jeghers syndrome. Last evaluated: 2025-03-24. Review status: criteria provided, single submitter. Criteria: Myriad Autosomal Dominant, Autosomal Recessive and X-Linked Classification Criteria (2023). Collection method: clinical testing. Allele origin: unknown.
Comment: This variant is considered benign. This variant is a silent/synonymous amino acid change and it is not expected to impact splicing.

Labcorp Genetics (formerly Invitae), Labcorp
Classification: Likely benign for Peutz-Jeghers syndrome. Last evaluated: 2020-03-22. Review status: criteria provided, single submitter. Criteria: Invitae Variant Classification Sherloc (09022015). Collection method: clinical testing. Allele origin: germline.